The following is an entry in ClinVar:

NM_012431.3(SEMA3E):c.1614C>T (p.Ala538=)

Gene: SEMA3E (semaphorin 3E; minus strand). Cytogenetic location: 7q21.11.
Variant type: single nucleotide variant.
Coding change: c.1614C>T on transcript NM_012431.3 (MANE Select); coding-DNA position 1614, C replaced by T.
Protein change: p.Ala538=; no amino-acid change (alanine 538 retained).
Molecular consequence: synonymous variant.
Genome position (GRCh38, 1-based): chr7:83,392,608, G>A on the plus strand (C>T on the coding strand, the complement: SEMA3E is on the minus strand). VCF-style: chr7-83392608-G-A. GRCh37 (hg19) VCF-style: chr7-83021924-G-A.
Other names: c.1434C>T, p.Ala478= (NM_001178129.2).
Identifiers: ClinVar variation 4991082 (VCV004991082.1).

ClinVar aggregate classification (germline): Likely benign (1 of 4 stars; one submission).

Conditions:
SEMA3E-related disorder. Also called: SEMA3E-related condition.

gnomAD v4.1: 7 of 1,613,722 alleles (0.00043%); highest among the groups gnomAD compares: African/African-American, 0.0093%; no homozygotes.

Submission:

PreventionGenetics, part of Exact Sciences
Classification: Likely benign for SEMA3E-related condition. Last evaluated: 2025-12-05. Review status: criteria provided, single submitter. Criteria: ACMG Guidelines, 2015. Collection method: clinical testing. Allele origin: germline.
Comment: This variant is classified as likely benign based on ACMG/AMP sequence variant interpretation guidelines (Richards et al. 2015 PMID: 25741868, with internal and published modifications).